The following is an entry in ClinVar:

ClinVar aggregate classification (germline): Conflicting classifications of pathogenicity. Review status: criteria provided, conflicting classifications (1 of 4 stars). 6 submissions from 6 submitters: Uncertain significance (4); Benign (1). 1 of the submissions does not count toward it. Last evaluated 2025-12-28.

Conditions:
Nemaline myopathy 2 (NEM2). Also called: Nemaline myopathy 2, autosomal recessive. Identifiers: MedGen C1850569, MONDO:0009725, OMIM 256030.
Inborn genetic diseases. Identifiers: MedGen C0950123, MeSH D030342.

Allele frequency attached by ClinVar (database versions not stated): TOPMed 0.00003; gnomAD 0.00002; gnomAD exomes 0.00005 and 0.00010; ExAC 0.00008.
gnomAD v4.1: 86 of 1,600,418 alleles (0.0054%); highest among the groups gnomAD compares: Middle Eastern, 0.12%; no homozygotes.

Submissions (6):

Labcorp Genetics (formerly Invitae), Labcorp
Classification: Benign for Nemaline myopathy 2. Last evaluated: 2025-12-28. Review status: criteria provided, single submitter. Criteria: Invitae Variant Classification Sherloc (09022015). Collection method: clinical testing. Allele origin: germline.

Ambry Genetics
Classification: Uncertain significance for Inborn genetic diseases. Last evaluated: 2025-07-02. Review status: criteria provided, single submitter. Criteria: Ambry Variant Classification Scheme 2023. Collection method: clinical testing. Allele origin: germline.

Women's Health and Genetics/Laboratory Corporation of America, LabCorp
Classification: Uncertain significance. Last evaluated: 2024-07-12. Review status: criteria provided, single submitter. Criteria: LabCorp Variant Classification Summary - May 2015. Collection method: clinical testing. Allele origin: germline.
Comment: Variant summary: NEB c.19325G>A (p.Arg6442Gln) results in a conservative amino acid change in the encoded protein sequence. Three of five in-silico tools predict a damaging effect of the variant on protein function. The variant allele was found at a frequency of 0.0001 in 248858 control chromosomes. This frequency is not significantly higher than estimated for a pathogenic variant in NEB causing Nemaline Myopathy 2 (0.0001 vs 0.0035), allowing no conclusion about variant significance. To our knowledge, no occurrence of c.19325G>A in individuals affected with Nemaline Myopathy 2 and no experimental evidence demonstrating its impact on protein function have been reported. ClinVar contains an entry for this variant (Variation ID: 647634). Based on the evidence outlined above, the variant was classified as uncertain significance.

Revvity Omics, Revvity
Classification: Uncertain significance. Last evaluated: 2023-12-18. Review status: criteria provided, single submitter. Criteria: ACMG Guidelines, 2015. Collection method: clinical testing. Allele origin: germline.

Dubai Health Genomic Medicine Center, Dubai Health
Classification: Uncertain significance for Nemaline myopathy 2. Last evaluated: 2019-12-29. Review status: criteria provided, single submitter. Criteria: ACMG Guidelines, 2015. Collection method: clinical testing. Allele origin: germline. Affected: yes.
Comment: The p.Arg6442Gln missense variant in NEB has not been previously reported in affected individuals but was identified in 13/30590 South Asian alleles (0.04% 0 homozygotes) in gnomAD (the Genome Aggregation Database). It was absent from the Greater Middle East Variome (GME) database. Computational prediction tools and conservation analysis do not provide evidence for or against pathogenicity. In summary more information is needed to determine the clinical significance of this variant.

Natera, Inc.
Classification: Uncertain significance for Nemaline myopathy type 2. Last evaluated: 2020-01-24. Review status: no assertion criteria provided. Collection method: clinical testing. Allele origin: germline. Not counted in ClinVar's aggregate classification.

NM_001164508.2(NEB):c.19325G>A (p.Arg6442Gln)

Gene: NEB (nebulin; minus strand). Cytogenetic location: 2q23.3.
Variant type: single nucleotide variant.
Coding change: c.19325G>A on transcript NM_001164508.2 (MANE Select); coding-DNA position 19325, G replaced by A.
Protein change: p.Arg6442Gln; replaces arginine 6442 with glutamine.
Molecular consequence: missense variant.
Genome position (GRCh38, 1-based): chr2:151,555,034, C>T on the plus strand (G>A on the coding strand, the complement: NEB is on the minus strand). VCF-style: chr2-151555034-C-T. GRCh37 (hg19) VCF-style: chr2-152411548-C-T.
Other names: c.19325G>A, p.Arg6442Gln (NM_001164507.2, NM_001271208.2); c.14222G>A, p.Arg4741Gln (NM_004543.5); c.14222G>A (NM_004543.4); short protein forms R4741Q, R6442Q.
Identifiers: ClinVar variation 647634 (VCV000647634.15), dbSNP rs375182306, ClinGen allele CA1907678.